The following is an entry in ClinVar:

NM_006939.4(SOS2):c.678A>C (p.Glu226Asp)

Gene: SOS2 (SOS Ras/Rho guanine nucleotide exchange factor 2; minus strand). Cytogenetic location: 14q21.3.
Variant type: single nucleotide variant.
Coding change: c.678A>C on transcript NM_006939.4 (MANE Select); coding-DNA position 678, A replaced by C.
Protein change: p.Glu226Asp; replaces glutamic acid 226 with aspartic acid.
Molecular consequence: missense variant.
Genome position (GRCh38, 1-based): chr14:50,188,533, T>G on the plus strand (A>C on the coding strand, the complement: SOS2 is on the minus strand). VCF-style: chr14-50188533-T-G. GRCh37 (hg19) VCF-style: chr14-50655251-T-G.
Other names: c.678A>C, p.Glu226Asp (NM_001411020.1); short protein forms E226D.
Identifiers: ClinVar variation 4801993 (VCV004801993.1).

ClinVar aggregate classification (germline): Uncertain significance (1 of 4 stars; one submission).

Conditions:
Noonan syndrome 9 (NS9). Identifiers: Orphanet 648, MedGen C4225282, MONDO:0014691, OMIM 616559.

Submission:

Labcorp Genetics (formerly Invitae), Labcorp
Classification: Uncertain significance for Noonan syndrome 9. Last evaluated: 2025-09-17. Review status: criteria provided, single submitter. Criteria: Invitae Variant Classification Sherloc (09022015). Collection method: clinical testing. Allele origin: germline.
Comment: This sequence change replaces glutamic acid, which is acidic and polar, with aspartic acid, which is acidic and polar, at codon 226 of the SOS2 protein (p.Glu226Asp). This variant is not present in population databases (gnomAD no frequency). This variant has not been reported in the literature in individuals affected with SOS2-related conditions. Invitae Evidence Modeling of protein sequence and biophysical properties (such as structural, functional, and spatial information, amino acid conservation, physicochemical variation, residue mobility, and thermodynamic stability) indicates that this missense variant is not expected to disrupt SOS2 protein function with a negative predictive value of 95%. In summary, the available evidence is currently insufficient to determine the role of this variant in disease. Therefore, it has been classified as a Variant of Uncertain Significance.